The following is an entry in ClinVar:

NM_017415.3(KLHL3):c.1435C>T (p.Arg479Cys)

Gene: KLHL3 (kelch like family member 3; minus strand). Cytogenetic location: 5q31.2.
Variant type: single nucleotide variant.
Coding change: c.1435C>T on transcript NM_017415.3 (MANE Select); coding-DNA position 1435, C replaced by T.
Protein change: p.Arg479Cys; replaces arginine 479 with cysteine.
Molecular consequence: missense variant.
Genome position (GRCh38, 1-based): chr5:137,634,052, G>A on the plus strand (C>T on the coding strand, the complement: KLHL3 is on the minus strand). VCF-style: chr5-137634052-G-A. GRCh37 (hg19) VCF-style: chr5-136969741-G-A.
Other names: c.1339C>T, p.Arg447Cys (NM_001257194.1); c.1189C>T, p.Arg397Cys (NM_001257195.2); c.1435C>T (NM_017415.2); short protein forms R397C, R447C, R479C.
Identifiers: ClinVar variation 2804857 (VCV002804857.6), dbSNP rs779657706, ClinGen allele CA3422209.

ClinVar aggregate classification (germline): Uncertain significance. Review status: criteria provided, multiple submitters, no conflicts (2 of 4 stars). 4 submissions from 4 submitters: Uncertain significance (4). Last evaluated 2026-06-25.

Conditions:
Inborn genetic diseases. Identifiers: MedGen C0950123, MeSH D030342.
Pseudohypoaldosteronism type 2D (PHA2D). Also called: FAMILIAL HYPERKALEMIC HYPERTENSION; PSEUDOHYPOALDOSTERONISM, TYPE IID, AUTOSOMAL DOMINANT OR RECESSIVE; Pseudohypoaldosteronism Type IID. Identifiers: Orphanet 300525, Orphanet 757, MedGen C3469605, MONDO:0013781, OMIM 614495.

Allele frequency attached by ClinVar (database versions not stated): gnomAD exomes 0.00002; TOPMed 0.00002; ExAC 0.00002.
gnomAD v4.1: 28 of 1,614,152 alleles (0.0017%); highest among the groups gnomAD compares: South Asian, 0.0033%; no homozygotes.

Submissions (4):

Women's Health and Genetics/Laboratory Corporation of America, LabCorp
Classification: Uncertain significance. Last evaluated: 2026-06-25. Review status: criteria provided, single submitter. Criteria: LabCorp Variant Classification Summary - May 2015. Collection method: clinical testing. Allele origin: germline.
Comment: Variant summary: KLHL3 c.1435C>T (p.Arg479Cys) results in a non-conservative amino acid change in the encoded protein sequence. Algorithms developed to predict the effect of missense changes on protein structure and function all suggest that this variant is likely to be disruptive. The variant allele was found at a frequency of 1.6e-05 in 251282 control chromosomes. The available data on variant occurrences in the general population are insufficient to allow any conclusion about variant significance. To our knowledge, no occurrence of c.1435C>T in individuals affected with KLHL3-related conditions and no experimental evidence demonstrating its impact on protein function have been reported. ClinVar contains an entry for this variant (Variation ID: 2804857). Based on the evidence outlined above, the variant was classified as uncertain significance.

Ambry Genetics
Classification: Uncertain significance for Inborn genetic diseases. Last evaluated: 2025-01-27. Review status: criteria provided, single submitter. Criteria: Ambry Variant Classification Scheme 2023. Collection method: clinical testing. Allele origin: germline.

Fulgent Genetics
Classification: Uncertain significance for Pseudohypoaldosteronism type 2D. Last evaluated: 2024-04-26. Review status: criteria provided, single submitter. Criteria: ACMG Guidelines, 2015. Collection method: clinical testing. Allele origin: germline.

Labcorp Genetics (formerly Invitae), Labcorp
Classification: Uncertain significance. Last evaluated: 2023-11-07. Review status: criteria provided, single submitter. Criteria: Invitae Variant Classification Sherloc (09022015). Collection method: clinical testing. Allele origin: germline.
Comment: This sequence change replaces arginine, which is basic and polar, with cysteine, which is neutral and slightly polar, at codon 479 of the KLHL3 protein (p.Arg479Cys). This variant is present in population databases (rs779657706, gnomAD 0.003%). This variant has not been reported in the literature in individuals affected with KLHL3-related conditions. Advanced modeling of protein sequence and biophysical properties (such as structural, functional, and spatial information, amino acid conservation, physicochemical variation, residue mobility, and thermodynamic stability) performed at Invitae indicates that this missense variant is not expected to disrupt KLHL3 protein function with a negative predictive value of 80%. In summary, the available evidence is currently insufficient to determine the role of this variant in disease. Therefore, it has been classified as a Variant of Uncertain Significance.